The following is an entry in ClinVar:

ClinVar aggregate classification (germline): Likely benign. Review status: criteria provided, multiple submitters, no conflicts (2 of 4 stars). 4 submissions from 4 submitters: Likely benign (3). 1 of the submissions does not count toward it. Last evaluated 2026-03-27.

Conditions:
MYO7A-related disorder. Also called: MYO7A-related disorders.
Usher syndrome type 1B (USH1B). Also called: Usher syndrome type IB. Identifiers: MedGen C1848638, MONDO:0700087.

Allele frequency attached by ClinVar (database versions not stated): gnomAD exomes 0.00002 and 0.00008; ExAC 0.00031; TOPMed 0.00031; gnomAD 0.00034 and 0.00036; 1000 Genomes Project 30x 0.00047; 1000 Genomes Project 0.00080.
gnomAD v4.1: 85 of 1,551,244 alleles (0.0055%); highest among the groups gnomAD compares: African/African-American, 0.11%; no homozygotes.

Submissions (4):

PreventionGenetics, part of Exact Sciences
Classification: Likely benign for MYO7A-related condition. Last evaluated: 2026-03-27. Review status: criteria provided, single submitter. Criteria: ACMG Guidelines, 2015. Collection method: clinical testing. Allele origin: germline.
Comment: This variant is classified as likely benign based on ACMG/AMP sequence variant interpretation guidelines (Richards et al. 2015 PMID: 25741868, with internal and published modifications).

Labcorp Genetics (formerly Invitae), Labcorp
Classification: Likely benign. Last evaluated: 2026-01-20. Review status: criteria provided, single submitter. Criteria: Invitae Variant Classification Sherloc (09022015). Collection method: clinical testing. Allele origin: germline.

Blueprint Genetics
Classification: Likely benign. Last evaluated: 2022-04-12. Review status: criteria provided, single submitter. Criteria: ACMG Guidelines, 2015. Collection method: clinical testing. Allele origin: germline.

Natera, Inc.
Classification: Uncertain significance for Usher syndrome type 1B. Last evaluated: 2020-01-24. Review status: no assertion criteria provided. Collection method: clinical testing. Allele origin: germline. Not counted in ClinVar's aggregate classification.

NM_000260.4(MYO7A):c.3291G>A (p.Gln1097=)

Gene: MYO7A (myosin VIIA; plus strand). Cytogenetic location: 11q13.5.
Variant type: single nucleotide variant.
Coding change: c.3291G>A on transcript NM_000260.4 (MANE Select); coding-DNA position 3291, G replaced by A.
Protein change: p.Gln1097=; no amino-acid change (glutamine 1097 retained).
Molecular consequence: synonymous variant.
Genome position (GRCh38, 1-based): chr11:77,183,073, G>A. VCF-style: chr11-77183073-G-A. GRCh37 (hg19) VCF-style: chr11-76894118-G-A.
Other names: c.3291G>A, p.Gln1097= (NM_001127180.2); c.3258G>A, p.Gln1086= (NM_001369365.1).
Identifiers: ClinVar variation 726085 (VCV000726085.14), dbSNP rs561459113, ClinGen allele CA6198024.